The following is an entry in ClinVar:

ClinVar aggregate classification (germline): Uncertain significance (1 of 4 stars; one submission).

Conditions:
Hereditary nonpolyposis colorectal neoplasms. Identifiers: MedGen C0009405, MeSH D003123.

Submission:

Labcorp Genetics (formerly Invitae), Labcorp
Classification: Uncertain significance for Hereditary nonpolyposis colorectal neoplasms. Last evaluated: 2023-10-17. Review status: criteria provided, single submitter. Criteria: Invitae Variant Classification Sherloc (09022015). Collection method: clinical testing. Allele origin: germline.
Comment: This sequence change replaces valine, which is neutral and non-polar, with leucine, which is neutral and non-polar, at codon 296 of the MSH6 protein (p.Val296Leu). This variant is not present in population databases (gnomAD no frequency). This variant has not been reported in the literature in individuals affected with MSH6-related conditions. Advanced modeling of protein sequence and biophysical properties (such as structural, functional, and spatial information, amino acid conservation, physicochemical variation, residue mobility, and thermodynamic stability) performed at Invitae indicates that this missense variant is not expected to disrupt MSH6 protein function. In summary, the available evidence is currently insufficient to determine the role of this variant in disease. Therefore, it has been classified as a Variant of Uncertain Significance.

NM_000179.3(MSH6):c.886G>C (p.Val296Leu)

Gene: MSH6 (mutS homolog 6; plus strand). Cytogenetic location: 2p16.3.
Variant type: single nucleotide variant.
Coding change: c.886G>C on transcript NM_000179.3 (MANE Select); coding-DNA position 886, G replaced by C.
Protein change: p.Val296Leu; replaces valine 296 with leucine.
Molecular consequence: missense variant. On other transcripts: 5 prime UTR variant (9), non-coding transcript variant (4), intron variant (1).
Genome position (GRCh38, 1-based): chr2:47,798,869, G>C. VCF-style: chr2-47798869-G-C. GRCh37 (hg19) VCF-style: chr2-48026008-G-C.
Other names: c.-21G>C (NM_001406815.1, NM_001406816.1, NM_001406823.1 and 6 more transcripts); c.886G>C, p.Val296Leu (NM_001406817.1, NM_001406796.1, NM_001406798.1 and 4 more transcripts); c.589G>C, p.Val197Leu (NM_001406818.1, NM_001406819.1, NM_001406820.1 and 10 more transcripts); c.718G>C, p.Val240Leu (NM_001406826.1); c.628-1797G>C (NM_001407362.1); c.496G>C, p.Val166Leu (NM_001281492.2); c.982G>C, p.Val328Leu (NM_001406795.1, NM_001406802.1); c.361G>C, p.Val121Leu (NM_001406799.1, NM_001406806.1, NM_001406807.1); and 2 more; short protein forms V166L, V270L, V197L, V328L, V121L, V296L, V240L, V298L.
Identifiers: ClinVar variation 2769302 (VCV002769302.3), dbSNP rs2104303975, ClinGen allele CA346740677.